The following is an entry in ClinVar:

ClinVar aggregate classification (germline): Uncertain significance. Review status: criteria provided, single submitter (1 of 4 stars). 2 submissions from 2 submitters: Uncertain significance (1). 1 of the submissions does not count toward it. Last evaluated 2025-11-03.

Conditions:
Dyskeratosis congenita. Identifiers: Orphanet 1775, MedGen C0265965, MONDO:0015780.
Dyskeratosis congenita, autosomal recessive 5 (DKCB5). Identifiers: MedGen C3554656, MONDO:0014076, OMIM 615190.
Pulmonary fibrosis and/or bone marrow failure, Telomere-related, 3. Also called: PULMONARY FIBROSIS AND/OR BONE MARROW FAILURE SYNDROME, TELOMERE-RELATED, 3. Identifiers: Orphanet 2032, MedGen C4225346, MONDO:0014613, OMIM 616373.

Allele frequency attached by ClinVar (database versions not stated): gnomAD 0.00001; gnomAD exomes 0.00001; TOPMed 0.00001; ExAC 0.00002.
gnomAD v4.1: 13 of 1,613,180 alleles (0.00081%); highest among the groups gnomAD compares: South Asian, 0.0022%; no homozygotes.

Submissions (2):

Labcorp Genetics (formerly Invitae), Labcorp
Classification: Uncertain significance for Dyskeratosis congenita, autosomal recessive 5; Pulmonary fibrosis and/or bone marrow failure, Telomere-related, 3. Last evaluated: 2025-11-03. Review status: criteria provided, single submitter. Criteria: Invitae Variant Classification Sherloc (09022015). Collection method: clinical testing. Allele origin: germline.
Comment: This sequence change replaces threonine, which is neutral and polar, with methionine, which is neutral and non-polar, at codon 386 of the RTEL1 protein (p.Thr386Met). This variant is present in population databases (rs371141081, gnomAD 0.006%). This variant has not been reported in the literature in individuals affected with RTEL1-related conditions. ClinVar contains an entry for this variant (Variation ID: 858814). An algorithm developed to predict the effect of missense changes on protein structure and function (PolyPhen-2) suggests that this variant is likely to be disruptive. In summary, the available evidence is currently insufficient to determine the role of this variant in disease. Therefore, it has been classified as a Variant of Uncertain Significance.

Natera, Inc.
Classification: Uncertain significance for Dyskeratosis congenita. Last evaluated: 2020-09-16. Review status: no assertion criteria provided. Collection method: clinical testing. Allele origin: germline. Not counted in ClinVar's aggregate classification.

NM_001283009.2(RTEL1):c.1157C>T (p.Thr386Met)

Genes: RTEL1-TNFRSF6B (RTEL1-TNFRSF6B readthrough (NMD candidate); plus strand), RTEL1 (regulator of telomere elongation helicase 1; plus strand). Cytogenetic location: 20q13.33.
Variant type: single nucleotide variant.
Coding change: c.1157C>T on transcript NM_001283009.2 (MANE Select); coding-DNA position 1157, C replaced by T.
Protein change: p.Thr386Met; replaces threonine 386 with methionine.
Molecular consequence: missense variant. On other transcripts: non-coding transcript variant (1).
Genome position (GRCh38, 1-based): chr20:63,680,685, C>T. VCF-style: chr20-63680685-C-T. GRCh37 (hg19) VCF-style: chr20-62312038-C-T.
Other names: c.488C>T, p.Thr163Met (NM_001283010.1); c.1157C>T, p.Thr386Met (NM_016434.4); c.1229C>T, p.Thr410Met (NM_032957.5); short protein forms T386M, T410M, T163M.
Identifiers: ClinVar variation 858814 (VCV000858814.7), dbSNP rs371141081, ClinGen allele CA9964636.